The following is an entry in ClinVar:

NM_018975.4(TERF2IP):c.1126G>T (p.Asp376Tyr)

Gene: TERF2IP (TERF2 interacting protein; plus strand). Cytogenetic location: 16q23.1.
Variant type: single nucleotide variant.
Coding change: c.1126G>T on transcript NM_018975.4 (MANE Select); coding-DNA position 1126, G replaced by T.
Protein change: p.Asp376Tyr; replaces aspartic acid 376 with tyrosine.
Molecular consequence: missense variant. On other transcripts: non-coding transcript variant (1).
Genome position (GRCh38, 1-based): chr16:75,656,537, G>T. VCF-style: chr16-75656537-G-T. GRCh37 (hg19) VCF-style: chr16-75690435-G-T.
Other names: short protein forms D376Y.
Identifiers: ClinVar variation 1799214 (VCV001799214.2), dbSNP rs2507089946, ClinGen allele CA396820319.

ClinVar aggregate classification (germline): Uncertain significance (1 of 4 stars; one submission).

Submission:

Ambry Genetics
Classification: Uncertain significance. Last evaluated: 2022-05-22. Review status: criteria provided, single submitter. Criteria: Ambry Variant Classification Scheme 2023. Collection method: clinical testing. Allele origin: germline.
Comment: The p.D376Y variant (also known as c.1126G>T), located in coding exon 3 of the TERF2IP gene, results from a G to T substitution at nucleotide position 1126. The aspartic acid at codon 376 is replaced by tyrosine, an amino acid with highly dissimilar properties. This amino acid position is conserved. In addition, this alteration is predicted to be tolerated by in silico analysis. Since supporting evidence is limited at this time, the clinical significance of this alteration remains unclear.